The following is an entry in ClinVar:

NM_005869.4(CWC27):c.532G>A (p.Glu178Lys)

Gene: CWC27 (CWC27 spliceosome associated cyclophilin; plus strand). Cytogenetic location: 5q12.3.
Variant type: single nucleotide variant.
Coding change: c.532G>A on transcript NM_005869.4 (MANE Select); coding-DNA position 532, G replaced by A.
Protein change: p.Glu178Lys; replaces glutamic acid 178 with lysine.
Molecular consequence: missense variant.
Genome position (GRCh38, 1-based): chr5:64,786,560, G>A. VCF-style: chr5-64786560-G-A. GRCh37 (hg19) VCF-style: chr5-64082387-G-A.
Other names: c.532G>A, p.Glu178Lys (NM_001297644.1, NM_001297645.2, NM_001318000.2 and 1 more transcripts); short protein forms E178K.
Identifiers: ClinVar variation 1368264 (VCV001368264.6), dbSNP rs1254062289, ClinGen allele CA359846601.

ClinVar aggregate classification (germline): Uncertain significance (1 of 4 stars; one submission).

Allele frequency attached by ClinVar (database versions not stated): TOPMed 0.00001.

Submission:

Labcorp Genetics (formerly Invitae), Labcorp
Classification: Uncertain significance. Last evaluated: 2024-12-02. Review status: criteria provided, single submitter. Criteria: Invitae Variant Classification Sherloc (09022015). Collection method: clinical testing. Allele origin: germline.
Comment: This sequence change replaces glutamic acid, which is acidic and polar, with lysine, which is basic and polar, at codon 178 of the CWC27 protein (p.Glu178Lys). This variant is not present in population databases (gnomAD no frequency). This variant has not been reported in the literature in individuals affected with CWC27-related conditions. ClinVar contains an entry for this variant (Variation ID: 1368264). An algorithm developed to predict the effect of missense changes on protein structure and function (PolyPhen-2) suggests that this variant is likely to be tolerated. In summary, the available evidence is currently insufficient to determine the role of this variant in disease. Therefore, it has been classified as a Variant of Uncertain Significance.